The following is an entry in ClinVar:

NM_001351132.2(PEX5):c.1619A>G (p.Glu540Gly)

Gene: PEX5 (peroxisomal biogenesis factor 5; plus strand). Cytogenetic location: 12p13.31.
Variant type: single nucleotide variant.
Coding change: c.1619A>G on transcript NM_001351132.2 (MANE Select); coding-DNA position 1619, A replaced by G.
Protein change: p.Glu540Gly; replaces glutamic acid 540 with glycine.
Molecular consequence: missense variant.
Genome position (GRCh38, 1-based): chr12:7,209,741, A>G. VCF-style: chr12-7209741-A-G. GRCh37 (hg19) VCF-style: chr12-7362337-A-G.
Other names: c.1595A>G, p.Glu532Gly (NM_000319.5); c.1664A>G, p.Glu555Gly (NM_001131023.2); c.1508A>G, p.Glu503Gly (NM_001131024.2, NM_001351124.3, NM_001351126.2 and 7 more transcripts); c.1619A>G, p.Glu540Gly (NM_001131025.2, NM_001131026.2, NM_001300789.3 and 4 more transcripts); c.1553A>G, p.Glu518Gly (NM_001351135.3, NM_001351138.2); c.1610A>G, p.Glu537Gly (NM_001351136.2); c.1484A>G, p.Glu495Gly (NM_001351139.2, NM_001351140.2, NM_001374649.2); c.1619A>G (NM_001131025.1); short protein forms E532G, E555G, E495G, E518G, E537G, E503G, E540G.
Identifiers: ClinVar variation 1389726 (VCV001389726.4), dbSNP rs1460981277, ClinGen allele CA383738079.
Genomic context (GRCh38, chr12:7,209,741, plus strand): 5'-AGGACTATTTGCTGTGGAATAAGCTAGGCGCCACCCTGGCCAATGGAAACCAGAGTGAAG[A>G]AGCAGTAGCTGCGTACCGCCGGGCCCTCGAGCTCCAGCCTGGCTATATCCGGTCCCGCTA-3'
Protein context (NP_001338061.1, residues 530-550): ATLANGNQSE[Glu540Gly]AVAAYRRALE

ClinVar aggregate classification (germline): Uncertain significance. Review status: criteria provided, multiple submitters, no conflicts (2 of 4 stars). 2 submissions from 2 submitters: Uncertain significance (2). Last evaluated 2025-11-26.

Conditions:
Inborn genetic diseases. Identifiers: MedGen C0950123, MeSH D030342.
Peroxisome biogenesis disorder 2B (PBD2B). Identifiers: Orphanet 44, MedGen C3550234, MONDO:0008736, OMIM 202370.

gnomAD v4.1: 1 of 1,492,438 alleles (0.000067%); highest among the groups gnomAD compares: Admixed American, 0.002%; no homozygotes.

Submissions (2):

Ambry Genetics
Classification: Uncertain significance for Inborn genetic diseases. Last evaluated: 2025-11-26. Review status: criteria provided, single submitter. Criteria: Ambry Variant Classification Scheme 2023. Collection method: clinical testing. Allele origin: germline.

Labcorp Genetics (formerly Invitae), Labcorp
Classification: Uncertain significance for Peroxisome biogenesis disorder 2B. Last evaluated: 2021-08-27. Review status: criteria provided, single submitter. Criteria: Invitae Variant Classification Sherloc (09022015). Collection method: clinical testing. Allele origin: germline.
Comment: This sequence change replaces glutamic acid with glycine at codon 540 of the PEX5 protein (p.Glu540Gly). The glutamic acid residue is highly conserved and there is a moderate physicochemical difference between glutamic acid and glycine. This variant is not present in population databases (ExAC no frequency). This variant has not been reported in the literature in individuals affected with PEX5-related conditions. Algorithms developed to predict the effect of missense changes on protein structure and function are either unavailable or do not agree on the potential impact of this missense change (SIFT: "Tolerated"; PolyPhen-2: "Probably Damaging"; Align-GVGD: "Class C0"). In summary, the available evidence is currently insufficient to determine the role of this variant in disease. Therefore, it has been classified as a Variant of Uncertain Significance.